The following is an entry in ClinVar:

ClinVar aggregate classification (germline): Likely pathogenic (1 of 4 stars; one submission).

Conditions:
Dilated cardiomyopathy 1G (CMD1G). Identifiers: Orphanet 154, MedGen C1858763, MONDO:0011400, OMIM 604145.
Autosomal recessive limb-girdle muscular dystrophy type 2J (LGMDR10). Also called: Limb-girdle muscular dystrophy, type 2J; MUSCULAR DYSTROPHY, LIMB-GIRDLE, AUTOSOMAL RECESSIVE 10. Identifiers: Orphanet 140922, MedGen C1837342, MONDO:0012127, OMIM 608807.

Submission:

Labcorp Genetics (formerly Invitae), Labcorp
Classification: Likely pathogenic for Dilated cardiomyopathy 1G; Autosomal recessive limb-girdle muscular dystrophy type 2J. Last evaluated: 2022-08-30. Review status: criteria provided, single submitter. Criteria: Invitae Variant Classification Sherloc (09022015). Collection method: clinical testing. Allele origin: germline.
Comment: In summary, the currently available evidence indicates that the variant is pathogenic, but additional data are needed to prove that conclusively. Therefore, this variant has been classified as Likely Pathogenic. This variant is located in the A band of TTN (PMID: 25589632). Truncating variants in this region are significantly overrepresented in patients affected with dilated cardiomyopathy (PMID: 25589632). Truncating variants in this region have also been reported in individuals affected with autosomal recessive centronuclear myopathy (PMID: 23975875). This variant has not been reported in the literature in individuals affected with TTN-related conditions. This variant is not present in population databases (gnomAD no frequency). This sequence change creates a premature translational stop signal (p.Trp22102*) in the TTN gene. While this is not anticipated to result in nonsense mediated decay, it is expected to create a truncated TTN protein.

Literature cited by the submitters: PubMed 25589632; PubMed 23975875.

NM_001267550.2(TTN):c.66306G>A (p.Trp22102Ter)

Genes: TTN (titin; minus strand), TTN-AS1 (TTN antisense RNA 1; plus strand). Cytogenetic location: 2q31.2.
Variant type: single nucleotide variant.
Coding change: c.66306G>A on transcript NM_001267550.2 (MANE Select); coding-DNA position 66306, G replaced by A.
Protein change: p.Trp22102Ter; replaces tryptophan 22102 with a stop codon.
Molecular consequence: nonsense.
Genome position (GRCh38, 1-based): chr2:178,582,063, C>T on the plus strand (G>A on the coding strand, the complement: TTN is on the minus strand). VCF-style: chr2-178582063-C-T. GRCh37 (hg19) VCF-style: chr2-179446790-C-T.
Other names: c.61383G>A, p.Trp20461Ter (NM_001256850.1); c.39111G>A, p.Trp13037Ter (NM_003319.4); c.58602G>A, p.Trp19534Ter (NM_133378.4); c.39486G>A, p.Trp13162Ter (NM_133432.3); c.39687G>A, p.Trp13229Ter (NM_133437.4); short protein forms W19534*, W13162*, W22102*, W13037*, W13229*, W20461*.
Identifiers: ClinVar variation 2027856 (VCV002027856.4), dbSNP rs2469011763, ClinGen allele CA349429419.
Genomic context (GRCh38, chr2:178,582,063, plus strand): 5'-TTCTTGAAGACCTGTTGCTTTTAATGTTCTTTCTATAATAGGTTTTCTGTTGACCTTAGT[C>T]CAGTTAACAGCCTGGGTTTCCCGCTTTTCAAGCAAATAGCCAGTGATGGGTGAGCCCCCA-3'